The following is an entry in ClinVar:

NM_014363.6(SACS):c.11385T>G (p.Ala3795=)

Gene: SACS (sacsin molecular chaperone; minus strand). Cytogenetic location: 13q12.12.
Variant type: single nucleotide variant.
Coding change: c.11385T>G on transcript NM_014363.6 (MANE Select); coding-DNA position 11385, T replaced by G.
Protein change: p.Ala3795=; no amino-acid change (alanine 3795 retained).
Molecular consequence: synonymous variant.
Genome position (GRCh38, 1-based): chr13:23,332,491, A>C on the plus strand (T>G on the coding strand, the complement: SACS is on the minus strand). VCF-style: chr13-23332491-A-C. GRCh37 (hg19) VCF-style: chr13-23906630-A-C.
Other names: c.10944T>G, p.Ala3648= (NM_001278055.2); c.11385T>G (NM_014363.5).
Identifiers: ClinVar variation 1117993 (VCV001117993.11), dbSNP rs148605896, ClinGen allele CA6910286.

ClinVar aggregate classification (germline): Likely benign. Review status: criteria provided, multiple submitters, no conflicts (2 of 4 stars). 3 submissions from 3 submitters: Likely benign (3). Last evaluated 2026-06-01.

Conditions:
Spastic paraplegia. Identifiers: MedGen C0037772, HP:0001258.
SACS-related disorder. Also called: SACS-related condition.

Allele frequency attached by ClinVar (database versions not stated): gnomAD exomes 0.00007; ExAC 0.00011; 1000 Genomes Project 30x 0.00016; 1000 Genomes Project 0.00020; gnomAD 0.00027 and 0.00030; TOPMed 0.00031; ESP Exome Variant Server 0.00046.
gnomAD v4.1: 65 of 1,613,994 alleles (0.004%); highest among the groups gnomAD compares: African/African-American, 0.08%; no homozygotes.

Submissions (3):

PreventionGenetics, part of Exact Sciences
Classification: Likely benign for SACS-related condition. Last evaluated: 2026-06-01. Review status: criteria provided, single submitter. Criteria: ACMG Guidelines, 2015. Collection method: clinical testing. Allele origin: germline.
Comment: This variant is classified as likely benign based on ACMG/AMP sequence variant interpretation guidelines (Richards et al. 2015 PMID: 25741868, with internal and published modifications).

Labcorp Genetics (formerly Invitae), Labcorp
Classification: Likely benign for Spastic paraplegia. Last evaluated: 2026-01-16. Review status: criteria provided, single submitter. Criteria: Invitae Variant Classification Sherloc (09022015). Collection method: clinical testing. Allele origin: germline.

Women's Health and Genetics/Laboratory Corporation of America, LabCorp
Classification: Likely benign. Last evaluated: 2025-02-04. Review status: criteria provided, single submitter. Criteria: LabCorp Variant Classification Summary - May 2015. Collection method: clinical testing. Allele origin: germline.